The following is an entry in ClinVar:

NM_001308093.3(GATA4):c.763C>G (p.Leu255Val)

Gene: GATA4 (GATA binding protein 4). Cytogenetic location: 8p23.1.
Variant type: single nucleotide variant.
Coding change: c.763C>G on transcript NM_001308093.3 (MANE Select); coding-DNA position 763, C replaced by G.
Protein change: p.Leu255Val; replaces leucine 255 with valine.
Molecular consequence: missense variant.
Genome position (GRCh38, 1-based): chr8:11,749,062, C>G. VCF-style: chr8-11749062-C-G. GRCh37 (hg19) VCF-style: chr8-11606571-C-G.
Other names: c.142C>G, p.Leu48Val (NM_001308094.2, NM_001374273.1, NM_001374274.1); c.760C>G, p.Leu254Val (NM_002052.5); short protein forms L254V, L255V, L48V.
Identifiers: ClinVar variation 3253021 (VCV003253021.1), dbSNP rs2486967548.

ClinVar aggregate classification (germline): Uncertain significance (1 of 4 stars; one submission).

Allele frequency attached by ClinVar (database versions not stated): gnomAD exomes below 0.00001.
gnomAD v4.1: 1 of 1,614,220 alleles (0.000062%); highest among the groups gnomAD compares: Non-Finnish European, 0.000085%; no homozygotes.

Submission:

GeneDx
Classification: Uncertain significance. Last evaluated: 2023-12-14. Review status: criteria provided, single submitter. Criteria: GeneDx Variant Classification Process June 2021. Collection method: clinical testing. Allele origin: germline. Affected: yes.
Comment: Has not been previously published as pathogenic or benign to our knowledge; Not observed at significant frequency in large population cohorts (gnomAD); In silico analysis supports that this missense variant has a deleterious effect on protein structure/function